The following is an entry in ClinVar:

ClinVar aggregate classification (germline): Benign/Likely benign. Review status: criteria provided, multiple submitters, no conflicts (2 of 4 stars). 4 submissions from 4 submitters: Benign (1); Likely benign (3). Last evaluated 2025-09-23.

Conditions:
Birt-Hogg-Dube syndrome 1 (BHD1). Also called: FIBROFOLLICULOMAS WITH TRICHODISCOMAS AND ACROCHORDONS. Identifiers: Orphanet 122, MedGen CN375946, MONDO:0800445, OMIM 135150.
Hereditary cancer-predisposing syndrome. Also called: Tumor predisposition; Hereditary neoplastic syndrome; Neoplastic Syndromes, Hereditary; Hereditary Cancer Syndrome. Identifiers: Orphanet 140162, MedGen C0027672, MeSH D009386, MONDO:0015356.
Birt-Hogg-Dube syndrome. Also called: Birt Hogg Dubé syndrome. Identifiers: Orphanet 122, MedGen C0346010, MONDO:0800444.

Allele frequency attached by ClinVar (database versions not stated): gnomAD exomes 0.00001; TOPMed 0.00001; gnomAD 0.00002.

Submissions (4):

Labcorp Genetics (formerly Invitae), Labcorp
Classification: Likely benign for Birt-Hogg-Dube syndrome. Last evaluated: 2025-09-23. Review status: criteria provided, single submitter. Criteria: Invitae Variant Classification Sherloc (09022015). Collection method: clinical testing. Allele origin: germline.

Myriad Genetics, Inc.
Classification: Benign for Birt-Hogg-Dube syndrome 1. Last evaluated: 2024-10-22. Review status: criteria provided, single submitter. Criteria: Myriad Autosomal Dominant, Autosomal Recessive and X-Linked Classification Criteria (2023). Collection method: clinical testing. Allele origin: unknown.
Comment: This variant is considered benign. This variant is a silent/synonymous amino acid change and it is not expected to impact splicing.

Blueprint Genetics
Classification: Likely benign. Last evaluated: 2024-10-16. Review status: criteria provided, single submitter. Criteria: ACMG Guidelines, 2015. Collection method: clinical testing. Allele origin: germline.

Ambry Genetics
Classification: Likely benign for Hereditary cancer-predisposing syndrome. Last evaluated: 2015-07-29. Review status: criteria provided, single submitter. Criteria: Ambry Variant Classification Scheme 2023. Collection method: clinical testing. Allele origin: germline.

NM_144997.7(FLCN):c.180G>A (p.Ala60=)

Gene: FLCN (folliculin; minus strand). Cytogenetic location: 17p11.2.
Variant type: single nucleotide variant.
Coding change: c.180G>A on transcript NM_144997.7 (MANE Select); coding-DNA position 180, G replaced by A.
Protein change: p.Ala60=; no amino-acid change (alanine 60 retained).
Molecular consequence: synonymous variant.
Genome position (GRCh38, 1-based): chr17:17,227,958, C>T on the plus strand (G>A on the coding strand, the complement: FLCN is on the minus strand). VCF-style: chr17-17227958-C-T. GRCh37 (hg19) VCF-style: chr17-17131272-C-T.
Other names: c.180G>A, p.Ala60= (NM_001353229.2, NM_001353230.2, NM_001353231.2 and 1 more transcripts).
Identifiers: ClinVar variation 767026 (VCV000767026.16), dbSNP rs1203041436, ClinGen allele CA498421531.